The following is an entry in ClinVar:

ClinVar aggregate classification (germline): Uncertain significance (1 of 4 stars; one submission).

gnomAD v4.1: 2 of 1,614,174 alleles (0.00012%); highest among the groups gnomAD compares: Non-Finnish European, 0.00017%; no homozygotes.

Submission:

Ambry Genetics
Classification: Uncertain significance. Last evaluated: 2025-06-08. Review status: criteria provided, single submitter. Criteria: Ambry Variant Classification Scheme 2023. Collection method: clinical testing. Allele origin: germline.
Comment: The p.S40L variant (also known as c.119C>T), located in coding exon 1 of the CDK12 gene, results from a C to T substitution at nucleotide position 119. The serine at codon 40 is replaced by leucine, an amino acid with dissimilar properties. This amino acid position is conserved. In addition, the in silico prediction for this alteration is inconclusive. Based on the available evidence, the clinical significance of this variant remains unclear.

NM_016507.4(CDK12):c.119C>T (p.Ser40Leu)

Genes: CDK12 (cyclin dependent kinase 12; plus strand), LOC126862553 (CDK7 strongly-dependent group 2 enhancer GRCh37_chr17:37618166-37619365; plus strand). Cytogenetic location: 17q12.
Variant type: single nucleotide variant.
Coding change: c.119C>T on transcript NM_016507.4 (MANE Select); coding-DNA position 119, C replaced by T.
Protein change: p.Ser40Leu; replaces serine 40 with leucine.
Molecular consequence: missense variant.
Genome position (GRCh38, 1-based): chr17:39,462,190, C>T. VCF-style: chr17-39462190-C-T. GRCh37 (hg19) VCF-style: chr17-37618443-C-T.
Other names: c.119C>T, p.Ser40Leu (NM_015083.4); short protein forms S40L.
Identifiers: ClinVar variation 3999546 (VCV003999546.1).